The following is an entry in ClinVar:

ClinVar aggregate classification (germline): Pathogenic (1 of 4 stars; one submission).

Submission:

GeneDx
Classification: Pathogenic. Last evaluated: 2018-08-06. Review status: criteria provided, single submitter. Criteria: GeneDx Variant Classification (06012015). Collection method: clinical testing. Allele origin: germline. Affected: yes.
Comment: The Q666X variant in the ANKRD11 gene has not been reported previously as a pathogenic variant nor as a benign variant, to our knowledge. This variant is predicted to cause loss of normal protein function either through protein truncation or nonsense-mediated mRNA decay. The Q666X variant is not observed in large population cohorts (Lek et al., 2016).

NM_013275.6(ANKRD11):c.1996C>T (p.Gln666Ter)

Gene: ANKRD11 (ankyrin repeat domain containing 11; minus strand). Cytogenetic location: 16q24.3.
Variant type: single nucleotide variant.
Coding change: c.1996C>T on transcript NM_013275.6 (MANE Select); coding-DNA position 1996, C replaced by T.
Protein change: p.Gln666Ter; replaces glutamine 666 with a stop codon.
Molecular consequence: nonsense.
Genome position (GRCh38, 1-based): chr16:89,284,546, G>A on the plus strand (C>T on the coding strand, the complement: ANKRD11 is on the minus strand). VCF-style: chr16-89284546-G-A. GRCh37 (hg19) VCF-style: chr16-89350954-G-A.
Other names: c.1996C>T, p.Gln666Ter (NM_001256182.2, NM_001256183.2); short protein forms Q666*.
Identifiers: ClinVar variation 620316 (VCV000620316.1), dbSNP rs747922528, ClinGen allele CA397163437.